The following is an entry in ClinVar:

ClinVar aggregate classification (germline): Benign/Likely benign. Review status: criteria provided, multiple submitters, no conflicts (2 of 4 stars). 9 submissions from 9 submitters: Benign (4); Likely benign (1). 4 of the submissions do not count toward it. Last evaluated 2026-01-31.

Conditions:
Late-infantile neuronal ceroid lipofuscinosis. Also called: Jansky-Bielschowsky disease. Identifiers: MedGen C0022340, MONDO:0015674.
Neuronal ceroid lipofuscinosis 7 (CLN7). Also called: MFSD8-Related Neuronal Ceroid-Lipofuscinosis. Identifiers: Orphanet 168491, Orphanet 228366, MedGen C1838571, MONDO:0012588, OMIM 610951.

Allele frequency attached by ClinVar (database versions not stated): gnomAD exomes 0.00042 and 0.00116; ExAC 0.00143; gnomAD 0.00444 and 0.00481; TOPMed 0.00510; 1000 Genomes Project 0.00519; 1000 Genomes Project 30x 0.00547; ESP Exome Variant Server 0.00615.
gnomAD v4.1: 1,311 of 1,614,188 alleles (0.081%); highest among the groups gnomAD compares: African/African-American, 1.6%; 17 homozygotes.

Submissions (9):

Labcorp Genetics (formerly Invitae), Labcorp
Classification: Benign for Neuronal ceroid lipofuscinosis 7. Last evaluated: 2026-01-31. Review status: criteria provided, single submitter. Criteria: Invitae Variant Classification Sherloc (09022015). Collection method: clinical testing. Allele origin: germline.

Athena Diagnostics
Classification: Benign. Last evaluated: 2025-03-10. Review status: criteria provided, single submitter. Criteria: Athena Diagnostics Criteria. Collection method: clinical testing. Allele origin: unknown.
Comment: The frequency of this variant in the general population is higher than would generally be expected for pathogenic variants in this gene. Computational tools yielded predictions that this variant is unlikely to have an effect on normal RNA splicing. This nucleotide position exhibits low evolutionary conservation.

Blueprint Genetics
Classification: Likely benign. Last evaluated: 2024-11-26. Review status: criteria provided, single submitter. Criteria: ACMG Guidelines, 2015. Collection method: clinical testing. Allele origin: germline.

Illumina Laboratory Services, Illumina
Classification: Benign for Neuronal ceroid lipofuscinosis 7. Last evaluated: 2018-01-13. Review status: criteria provided, single submitter. Criteria: ICSL Variant Classification Criteria 13 December 2019. Collection method: clinical testing. Allele origin: germline.
Comment: This variant was observed in the ICSL laboratory as part of a predisposition screen in an ostensibly healthy population. It had not been previously curated by ICSL or reported in the Human Gene Mutation Database (HGMD: prior to June 1st, 2018), and was therefore a candidate for classification through an automated scoring system. Utilizing variant allele frequency, disease prevalence and penetrance estimates, and inheritance mode, an automated score was calculated to assess if this variant is too frequent to cause the disease. Based on the score and internal cut-off values, a variant classified as benign is not then subjected to further curation. The score for this variant resulted in a classification of benign for this disease.

GeneDx
Classification: Benign. Last evaluated: 2013-01-04. Review status: criteria provided, single submitter. Criteria: GeneDx Variant Classification (06012015). Collection method: clinical testing. Allele origin: germline. Affected: yes.
Comment: This variant is considered likely benign or benign based on one or more of the following criteria: it is a conservative change, it occurs at a poorly conserved position in the protein, it is predicted to be benign by multiple in silico algorithms, and/or has population frequency not consistent with disease.

Natera, Inc.
Classification: Benign for Late-infantile neuronal ceroid lipofuscinosis. Last evaluated: 2020-09-16. Review status: no assertion criteria provided. Collection method: clinical testing. Allele origin: germline. Not counted in ClinVar's aggregate classification.

Mayo Clinic Laboratories, Mayo Clinic
Classification: Likely benign. Last evaluated: 2017-11-17. Review status: no assertion criteria provided. Collection method: clinical testing. Allele origin: unknown. Not counted in ClinVar's aggregate classification.

Clinical Genetics DNA and cytogenetics Diagnostics Lab, Erasmus MC, Erasmus Medical Center
Classification: Benign. Review status: no assertion criteria provided. Collection method: clinical testing. Allele origin: germline. Affected: yes. Study: VKGL Data-share Consensus. Not counted in ClinVar's aggregate classification.

Genome Diagnostics Laboratory, University Medical Center Utrecht
Classification: Likely benign. Review status: no assertion criteria provided. Collection method: clinical testing. Allele origin: germline. Affected: yes. Study: VKGL Data-share Consensus. Not counted in ClinVar's aggregate classification.

NM_001371596.2(MFSD8):c.199-8T>C

Gene: MFSD8 (major facilitator superfamily domain containing 8; minus strand). Cytogenetic location: 4q28.2.
Variant type: single nucleotide variant.
Coding change: c.199-8T>C on transcript NM_001371596.2 (MANE Select); 8 bases into the intron before coding-DNA position 199, T replaced by C.
Molecular consequence: intron variant.
Genome position (GRCh38, 1-based): chr4:127,944,000, A>G on the plus strand (T>C on the coding strand, the complement: MFSD8 is on the minus strand). VCF-style: chr4-127944000-A-G. GRCh37 (hg19) VCF-style: chr4-128865155-A-G.
Other names: c.64-8T>C (NM_001371595.1, NM_001410765.1, NM_001371590.2); c.199-8T>C (NM_152778.4, NM_001363521.3, NM_001410766.1 and 5 more transcripts).
Identifiers: ClinVar variation 138221 (VCV000138221.26), dbSNP rs112721309, ClinGen allele CA292088.